The following is an entry in ClinVar:

NC_000023.10:g.(?_32305626)_(32366860_?)del

Gene: DMD (dystrophin; minus strand). Cytogenetic location: Xp21.1.
Variant type: Deletion.
Identifiers: ClinVar variation 3248141 (VCV003248141.1).

ClinVar aggregate classification (germline): Pathogenic (1 of 4 stars; one submission).

Conditions:
Duchenne muscular dystrophy (DMD). Also called: MUSCULAR DYSTROPHY, PSEUDOHYPERTROPHIC PROGRESSIVE, DUCHENNE TYPE; Duchenne Muscular Dystrophy (DMD). Identifiers: Orphanet 98896, MedGen C0013264, MONDO:0010679, OMIM 310200.

Submission:

Labcorp Genetics (formerly Invitae), Labcorp
Classification: Pathogenic for Duchenne muscular dystrophy. Last evaluated: 2022-07-03. Review status: criteria provided, single submitter. Criteria: Invitae Variant Classification Sherloc (09022015). Collection method: clinical testing. Allele origin: unknown.
Comment: For these reasons, this variant has been classified as Pathogenic. A similar copy number variant has been observed in individual(s) with Becker or Duchenne muscular dystrophy (PMID: 18348289, 22090376, 24099565). This variant is a gross deletion of the genomic region encompassing exon(s) 38-43 of the DMD gene. This deletion is out-of-frame, and is expected to create a premature termination codon and result in an absent or disrupted protein product. Loss-of-function variants in DMD are known to be pathogenic (PMID: 16770791, 25007885).

Literature cited by the submitters: PubMed 18348289; PubMed 22090376; PubMed 24099565; PubMed 16770791; PubMed 25007885.